The following is an entry in ClinVar:

ClinVar aggregate classification (germline): Pathogenic. Review status: criteria provided, multiple submitters, no conflicts (2 of 4 stars). 5 submissions from 5 submitters: Pathogenic (4). 1 of the submissions does not count toward it. Last evaluated 2026-09-24.

Conditions:
Polycystic kidney disease, adult type (PKD1). Also called: Polycystic Kidney, Autosomal Dominant; Polycystic Kidney Disease 1, Autosomal Dominant; Polycystic kidney disease 1; Polycystic kidney disease 1, severe; POLYCYSTIC KIDNEY DISEASE 1 WITH OR WITHOUT POLYCYSTIC LIVER DISEASE; POLYCYSTIC KIDNEY DISEASE, ADULT, TYPE I. Identifiers: MedGen C3149841, MONDO:0008263, OMIM 173900.
Polycystic kidney disease. Also called: Kidney, Polycystic; Polycystic kidney dysplasia. Identifiers: MedGen C0022680, MeSH D007690, MONDO:0020642, HP:0000113.
PKD1-related disorder. Also called: PKD1-related condition.

Submissions (5):

PreventionGenetics, part of Exact Sciences
Classification: Pathogenic for PKD1-related condition. Last evaluated: 2026-09-24. Review status: criteria provided, single submitter. Criteria: ACMG Guidelines, 2015. Collection method: clinical testing. Allele origin: germline.
Comment: The PKD1 c.8470C>T variant is predicted to result in premature protein termination (p.Gln2824*). This variant has been reported to be causative for polycystic kidney disease (Laleye et al. 2012. PubMed ID: 23431742; Xu et al. 2018. PubMed ID: 29529603; Table S6 of Kim et al. 2019. PubMed ID: 31740684). This variant has not been reported in a large population database (gnomAD), indicating this variant is rare. Nonsense variants in PKD1 are expected to be pathogenic. This variant is interpreted as pathogenic.

Victorian Clinical Genetics Services, Murdoch Childrens Research Institute
Classification: Pathogenic for Polycystic kidney disease, adult type. Last evaluated: 2026-03-16. Review status: criteria provided, single submitter. Criteria: ACMG Guidelines, 2015. Collection method: clinical testing. Allele origin: germline. Affected: yes.
Comment: This variant is classified as Pathogenic. Evidence in support of pathogenic classification: Variant is predicted to cause nonsense-mediated decay (NMD) and loss of protein (premature termination codon is located at least 54 nucleotides upstream of the final exon-exon junction); Variant is absent from gnomAD (v2, v3 and v4); This variant has moderate previous evidence of pathogenicity in unrelated individuals. This variant has been classified as pathogenic by clinical laboratories in ClinVar; Other NMD-predicted variants comparable to the one identified in this case have very strong previous evidence for pathogenicity (DECIPHER). Additional information: This variant is heterozygous; This gene is associated with autosomal dominant disease. Polycystic kidney disease 1 (MIM#173900) is predominantly caused by monoallelic variants, with rare reports of biallelic variants causing disease (OMIM); Loss of function is a known mechanism of disease in this gene and is associated with polycystic kidney disease 1 (MIM#173900); Inheritance information for this variant is not currently available in this individual.

Fulgent Genetics
Classification: Pathogenic for Polycystic kidney disease, adult type. Last evaluated: 2024-06-11. Review status: criteria provided, single submitter. Criteria: ACMG Guidelines, 2015. Collection method: clinical testing. Allele origin: germline.

Clinical Genetics Laboratory, Skane University Hospital Lund
Classification: Pathogenic. Last evaluated: 2024-01-16. Review status: criteria provided, single submitter. Criteria: ACMG Guidelines, 2015. Collection method: clinical testing. Allele origin: germline. Affected: yes.

Department of Pathology and Laboratory Medicine, Sinai Health System
Classification: Pathogenic for Polycystic Kidney disease. Review status: no assertion criteria provided. Collection method: clinical testing. Allele origin: unknown. Affected: yes. Study: The Canadian Open Genetics Repository (COGR). Not counted in ClinVar's aggregate classification.
Comment: The PKD1 p.Gln2824* variant was identified in 2 of 490 proband chromosomes (frequency: 0.004) from individuals with autosomal dominant polycystic kidney disease (Xu 2018, Rafaella 2017 PhD Thesis). The variant was not identified in dbSNP, ClinVar, LOVD 3.0, ADPKD Mutation Database, PKD1-LOVD, the Exome Aggregation Consortium (August 8th 2016), or the Genome Aggregation Database (Feb 27, 2017). The c.8470C>T variant leads to a premature stop codon at position 2824 which is predicted to lead to a truncated or absent protein and loss of function. Loss of function variants of the PKD1 gene are an established mechanism of disease in autosomal dominant polycystic kidney disease and is the type of variant expected to cause the disorder. In summary, based on the above information this variant meets our laboratoryâ€šÃ„Ã´s criteria to be classified as pathogenic.

NM_001009944.3(PKD1):c.8470C>T (p.Gln2824Ter)

Gene: PKD1 (polycystin 1, transient receptor potential channel interacting; minus strand). Cytogenetic location: 16p13.3.
Variant type: single nucleotide variant.
Coding change: c.8470C>T on transcript NM_001009944.3 (MANE Select); coding-DNA position 8470, C replaced by T.
Protein change: p.Gln2824Ter; replaces glutamine 2824 with a stop codon.
Molecular consequence: nonsense.
Genome position (GRCh38, 1-based): chr16:2,103,587, G>A on the plus strand (C>T on the coding strand, the complement: PKD1 is on the minus strand). VCF-style: chr16-2103587-G-A. GRCh37 (hg19) VCF-style: chr16-2153588-G-A.
Other names: c.8470C>T (NM_001009944.2); c.8470C>T, p.Gln2824Ter (NM_000296.4); short protein forms Q2824*.
Identifiers: ClinVar variation 997172 (VCV000997172.6), dbSNP rs2092196354, ClinGen allele CA394363789.